The following is an entry in ClinVar:

ClinVar aggregate classification (germline): Likely pathogenic (1 of 4 stars; one submission).

Conditions:
TRIM28-related disorder. Also called: TRIM28-related condition.

Submission:

PreventionGenetics, part of Exact Sciences
Classification: Likely pathogenic for TRIM28-related condition. Last evaluated: 2026-02-14. Review status: criteria provided, single submitter. Criteria: ACMG Guidelines, 2015. Collection method: clinical testing. Allele origin: germline.
Comment: The TRIM28 c.874C>T variant is predicted to result in premature protein termination (p.Gln292*). To our knowledge, this variant has not been reported in the literature or in a large population database (gnomAD), indicating this variant is rare. At the time of reporting, this variant had not been interpreted in ClinVar. Nonsense variants in TRIM28 are expected to be pathogenic. This variant is interpreted as likely pathogenic.

NM_005762.3(TRIM28):c.874C>T (p.Gln292Ter)

Gene: TRIM28 (tripartite motif containing 28; plus strand). Cytogenetic location: 19q13.43.
Variant type: single nucleotide variant.
Coding change: c.874C>T on transcript NM_005762.3 (MANE Select); coding-DNA position 874, C replaced by T.
Protein change: p.Gln292Ter; replaces glutamine 292 with a stop codon.
Molecular consequence: nonsense.
Genome position (GRCh38, 1-based): chr19:58,547,826, C>T. VCF-style: chr19-58547826-C-T. GRCh37 (hg19) VCF-style: chr19-59059193-C-T.
Other names: short protein forms Q292*.
Identifiers: ClinVar variation 4992123 (VCV004992123.1).